The following is an entry in ClinVar:

ClinVar aggregate classification (germline): Pathogenic (1 of 4 stars; one submission).

Conditions:
Mitochondrial trifunctional protein deficiency. Identifiers: Orphanet 746, MedGen C1969443, MONDO:0012172.
Long chain 3-hydroxyacyl-CoA dehydrogenase deficiency. Also called: Deficiency of long-chain 3-hydroxyacyl-coenzyme A dehydrogenase; LCHAD Deficiency. Identifiers: Orphanet 5, MedGen C3711645, MONDO:0012173, OMIM 609016.

Submission:

Labcorp Genetics (formerly Invitae), Labcorp
Classification: Pathogenic for Mitochondrial trifunctional protein deficiency; Long chain 3-hydroxyacyl-CoA dehydrogenase deficiency. Last evaluated: 2023-04-14. Review status: criteria provided, single submitter. Criteria: Invitae Variant Classification Sherloc (09022015). Collection method: clinical testing. Allele origin: germline.
Comment: For these reasons, this variant has been classified as Pathogenic. This variant disrupts a region of the HADHA protein in which other variant(s) (p.Phe744Thrfs*10) have been determined to be pathogenic (PMID: 12237653, 21549624). This suggests that this is a clinically significant region of the protein, and that variants that disrupt it are likely to be disease-causing. This variant has not been reported in the literature in individuals affected with HADHA-related conditions. This variant is not present in population databases (gnomAD no frequency). This sequence change creates a premature translational stop signal (p.Glu699Argfs*47) in the HADHA gene. While this is not anticipated to result in nonsense mediated decay, it is expected to disrupt the last 65 amino acid(s) of the HADHA protein.

Literature cited by the submitters: PubMed 12237653; PubMed 21549624.

NM_000182.5(HADHA):c.2063_2087dup (p.Glu699fs)

Genes: GAREM2 (GRB2 associated regulator of MAPK1 subtype 2; plus strand), HADHA (hydroxyacyl-CoA dehydrogenase trifunctional multienzyme complex subunit alpha; minus strand). Cytogenetic location: 2p23.3.
Variant type: Duplication.
Coding change: c.2063_2087dup on transcript NM_000182.5 (MANE Select); coding-DNA positions 2063 to 2087, 25 bases duplicated (GCCTGCAAGAGGGGATCTTGGCCAC).
Protein change: p.Glu699fs; shifts the reading frame from glutamic acid 699.
Molecular consequence: frameshift variant.
Genome position (GRCh38, 1-based): chr2:26,191,542-26,191,566, GTGGCCAAGATCCCCTCTTGCAGGC duplicated on the plus strand (GCCTGCAAGAGGGGATCTTGGCCAC on the coding strand, the reverse complement: HADHA is on the minus strand). VCF-style (leftmost placement, unchanged base first): chr2-26191541-T-TGTGGCCAAGATCCCCTCTTGCAGGC. GRCh37 (hg19) VCF-style: chr2-26414410-T-TGTGGCCAAGATCCCCTCTTGCAGGC.
Other names: short protein forms E699fs.
Identifiers: ClinVar variation 2943817 (VCV002943817.3), dbSNP rs2465505786, ClinGen allele CA2740092709.